The following is an entry in ClinVar:

NM_004304.5(ALK):c.926C>T (p.Ala309Val)

Gene: ALK (ALK receptor tyrosine kinase; minus strand). Cytogenetic location: 2p23.2.
Variant type: single nucleotide variant.
Coding change: c.926C>T on transcript NM_004304.5 (MANE Select); coding-DNA position 926, C replaced by T.
Protein change: p.Ala309Val; replaces alanine 309 with valine.
Molecular consequence: missense variant.
Genome position (GRCh38, 1-based): chr2:29,694,876, G>A on the plus strand (C>T on the coding strand, the complement: ALK is on the minus strand). VCF-style: chr2-29694876-G-A. GRCh37 (hg19) VCF-style: chr2-29917742-G-A.
Other names: short protein forms A309V.
Identifiers: ClinVar variation 404372 (VCV000404372.14), dbSNP rs748017801, ClinGen allele CA16610811.

ClinVar aggregate classification (germline): Conflicting classifications of pathogenicity. Review status: criteria provided, conflicting classifications (1 of 4 stars). 3 submissions from 3 submitters: Uncertain significance (2); Likely benign (1). Last evaluated 2024-12-12.

Conditions:
Hereditary cancer-predisposing syndrome. Also called: Tumor predisposition; Neoplastic Syndromes, Hereditary; Hereditary Cancer Syndrome; Hereditary neoplastic syndrome. Identifiers: Orphanet 140162, MedGen C0027672, MeSH D009386, MONDO:0015356.
Neuroblastoma, susceptibility to, 3. Also called: ALK-Related Neuroblastic Tumor Susceptibility. Identifiers: Orphanet 635, MedGen C2751681, MONDO:0013083, OMIM 613014.

Allele frequency attached by ClinVar (database versions not stated): TOPMed below 0.00001.
gnomAD v4.1: 8 of 1,613,942 alleles (0.0005%); highest among the groups gnomAD compares: Non-Finnish European, 0.00068%; no homozygotes.

Submissions (3):

Ambry Genetics
Classification: Likely benign for Hereditary cancer-predisposing syndrome. Last evaluated: 2024-12-12. Review status: criteria provided, single submitter. Criteria: Ambry Variant Classification Scheme 2023. Collection method: clinical testing. Allele origin: germline.

Labcorp Genetics (formerly Invitae), Labcorp
Classification: Uncertain significance for Neuroblastoma, susceptibility to, 3. Last evaluated: 2024-07-11. Review status: criteria provided, single submitter. Criteria: Invitae Variant Classification Sherloc (09022015). Collection method: clinical testing. Allele origin: germline.
Comment: This sequence change replaces alanine, which is neutral and non-polar, with valine, which is neutral and non-polar, at codon 309 of the ALK protein (p.Ala309Val). This variant is not present in population databases (gnomAD no frequency). This variant has not been reported in the literature in individuals affected with ALK-related conditions. ClinVar contains an entry for this variant (Variation ID: 404372). An algorithm developed to predict the effect of missense changes on protein structure and function outputs the following: PolyPhen-2: "Benign". The valine amino acid residue is found in multiple mammalian species, which suggests that this missense change does not adversely affect protein function. In summary, the available evidence is currently insufficient to determine the role of this variant in disease. Therefore, it has been classified as a Variant of Uncertain Significance.

GeneDx
Classification: Uncertain significance. Last evaluated: 2022-09-30. Review status: criteria provided, single submitter. Criteria: GeneDx Variant Classification Process June 2021. Collection method: clinical testing. Allele origin: germline. Affected: yes.
Comment: Not observed at significant frequency in large population cohorts (gnomAD); In silico analysis supports that this missense variant does not alter protein structure/function; Has not been previously published as pathogenic or benign to our knowledge